The following is an entry in ClinVar:

ClinVar aggregate classification (germline): Likely benign. Review status: criteria provided, multiple submitters, no conflicts (2 of 4 stars). 3 submissions from 3 submitters: Likely benign (2). 1 of the submissions does not count toward it. Last evaluated 2025-08-20.

Conditions:
VPS13B-related disorder. Also called: VPS13B-related condition.
Cohen syndrome (COH1). Also called: PEPPER SYNDROME; Cutis verticis gyrata, retinitis pigmentosa, and sensorineural deafness. Identifiers: Orphanet 193, MedGen C0265223, MONDO:0008999, OMIM 216550.

Allele frequency attached by ClinVar (database versions not stated): TOPMed below 0.00001; gnomAD exomes 0.00001 and 0.00002; ExAC 0.00002.
gnomAD v4.1: 21 of 1,613,966 alleles (0.0013%); highest among the groups gnomAD compares: Non-Finnish European, 0.0017%; no homozygotes.

Submissions (3):

Labcorp Genetics (formerly Invitae), Labcorp
Classification: Likely benign for Cohen syndrome. Last evaluated: 2025-08-20. Review status: criteria provided, single submitter. Criteria: Invitae Variant Classification Sherloc (09022015). Collection method: clinical testing. Allele origin: germline.

Blueprint Genetics
Classification: Likely benign. Last evaluated: 2023-01-26. Review status: criteria provided, single submitter. Criteria: ACMG Guidelines, 2015. Collection method: clinical testing. Allele origin: germline.

PreventionGenetics, part of Exact Sciences
Classification: Likely benign for VPS13B-related condition. Last evaluated: 2021-10-06. Review status: no assertion criteria provided. Collection method: clinical testing. Allele origin: germline. Not counted in ClinVar's aggregate classification.
Comment: This variant is classified as likely benign based on ACMG/AMP sequence variant interpretation guidelines (Richards et al. 2015 PMID: 25741868, with internal and published modifications).

NM_152564.5(VPS13B):c.3714C>T (p.Asn1238=)

Gene: VPS13B (vacuolar protein sorting 13 homolog B; plus strand). Cytogenetic location: 8q22.2.
Variant type: single nucleotide variant.
Coding change: c.3714C>T on transcript NM_152564.5 (MANE Select); coding-DNA position 3714, C replaced by T.
Protein change: p.Asn1238=; no amino-acid change (asparagine 1238 retained).
Molecular consequence: synonymous variant.
Genome position (GRCh38, 1-based): chr8:99,481,646, C>T. VCF-style: chr8-99481646-C-T. GRCh37 (hg19) VCF-style: chr8-100493874-C-T.
Other names: c.3714C>T, p.Asn1238= (NM_017890.5); c.3714C>T (NM_152564.4).
Identifiers: ClinVar variation 1115185 (VCV001115185.11), dbSNP rs749086106, ClinGen allele CA4823322.